The following is an entry in ClinVar:

ClinVar aggregate classification (germline): Likely benign. Review status: criteria provided, multiple submitters, no conflicts (2 of 4 stars). 2 submissions from 2 submitters: Likely benign (2). Last evaluated 2024-12-03.

Conditions:
CTNNA3-related disorder. Also called: CTNNA3-related condition.

gnomAD v4.1: 23 of 502,236 alleles (0.0046%); highest among the groups gnomAD compares: South Asian, 0.019%; no homozygotes.

Submissions (2):

PreventionGenetics, part of Exact Sciences
Classification: Likely benign for CTNNA3-related condition. Last evaluated: 2024-12-03. Review status: criteria provided, single submitter. Criteria: ACMG Guidelines, 2015. Collection method: clinical testing. Allele origin: germline.
Comment: This variant is classified as likely benign based on ACMG/AMP sequence variant interpretation guidelines (Richards et al. 2015 PMID: 25741868, with internal and published modifications).

Blueprint Genetics
Classification: Likely benign. Last evaluated: 2024-07-16. Review status: criteria provided, single submitter. Criteria: ACMG Guidelines, 2015. Collection method: clinical testing. Allele origin: germline.

NM_013266.4(CTNNA3):c.1047+3341T>C

Gene: CTNNA3 (catenin alpha 3; minus strand). Cytogenetic location: 10q21.3.
Variant type: single nucleotide variant.
Coding change: c.1047+3341T>C on transcript NM_013266.4 (MANE Select); 3341 bases into the intron after coding-DNA position 1047, T replaced by C.
Molecular consequence: intron variant. On other transcripts: synonymous variant (1).
Genome position (GRCh38, 1-based): chr10:67,176,976, A>G on the plus strand (T>C on the coding strand, the complement: CTNNA3 is on the minus strand). VCF-style: chr10-67176976-A-G. GRCh37 (hg19) VCF-style: chr10-68936734-A-G.
Other names: c.1092T>C, p.Asn364= (NM_001291133.2); c.1047+3341T>C (NM_001127384.3); c.1092T>C (NM_001291133.1).
Identifiers: ClinVar variation 4907550 (VCV004907550.2).
Genomic context (GRCh38, chr10:67,176,976, plus strand): 5'-AATAATGCATTCCTCCAACAATTTGATTTTTACTCCAGTGAGGCCCAGGTCAGACTTTTG[A>G]TTACAGAGCTGAAAGACAGAAATTTGTGTGGTTTAAGACACTAAGTGTGTGGTAATTTGT-3'